The following is an entry in ClinVar:

NM_025099.6(CTC1):c.2785G>A (p.Val929Met)

Gene: CTC1 (CST telomere replication complex component 1; minus strand). Cytogenetic location: 17p13.1.
Variant type: single nucleotide variant.
Coding change: c.2785G>A on transcript NM_025099.6 (MANE Select); coding-DNA position 2785, G replaced by A.
Protein change: p.Val929Met; replaces valine 929 with methionine.
Molecular consequence: missense variant. On other transcripts: non-coding transcript variant (1).
Genome position (GRCh38, 1-based): chr17:8,230,442, C>T on the plus strand (G>A on the coding strand, the complement: CTC1 is on the minus strand). VCF-style: chr17-8230442-C-T. GRCh37 (hg19) VCF-style: chr17-8133760-C-T.
Other names: short protein forms V929M.
Identifiers: ClinVar variation 949323 (VCV000949323.9), dbSNP rs778339506, ClinGen allele CA8371965.
Genomic context (GRCh38, chr17:8,230,442, plus strand): 5'-ATACATCCAGGTGAGGGGGGAATTCACATTCAGCAGTCTCAAGAGCGACTGTTAGCTTCA[C>T]ACACCTTCTCATGGCCCCCGTGTTCCCTATAGAAGGAAGGTGGGTGTTAGTAGGATCTGT-3'
Protein context (NP_079375.3, residues 919-939): LGNTGAMRRC[Val929Met]KLTVALETAE

ClinVar aggregate classification (germline): Uncertain significance. Review status: criteria provided, multiple submitters, no conflicts (2 of 4 stars). 3 submissions from 3 submitters: Uncertain significance (3). Last evaluated 2025-03-21.

Conditions:
Inborn genetic diseases. Identifiers: MedGen C0950123, MeSH D030342.
Dyskeratosis congenita. Identifiers: Orphanet 1775, MedGen C0265965, MONDO:0015780.

Allele frequency attached by ClinVar (database versions not stated): gnomAD exomes 0.00001 and 0.00002; ExAC 0.00002.
gnomAD v4.1: 12 of 1,614,028 alleles (0.00074%); highest among the groups gnomAD compares: East Asian, 0.027%; no homozygotes.

Submissions (3):

Ambry Genetics
Classification: Uncertain significance for Inborn genetic diseases. Last evaluated: 2025-03-21. Review status: criteria provided, single submitter. Criteria: Ambry Variant Classification Scheme 2023. Collection method: clinical testing. Allele origin: germline.

Labcorp Genetics (formerly Invitae), Labcorp
Classification: Uncertain significance for Dyskeratosis congenita. Last evaluated: 2022-02-28. Review status: criteria provided, single submitter. Criteria: Invitae Variant Classification Sherloc (09022015). Collection method: clinical testing. Allele origin: germline.
Comment: This sequence change replaces valine, which is neutral and non-polar, with methionine, which is neutral and non-polar, at codon 929 of the CTC1 protein (p.Val929Met). This variant is present in population databases (rs778339506, gnomAD 0.03%). This variant has not been reported in the literature in individuals affected with CTC1-related conditions. ClinVar contains an entry for this variant (Variation ID: 949323). Algorithms developed to predict the effect of missense changes on protein structure and function output the following: SIFT: "Tolerated"; PolyPhen-2: "Benign"; Align-GVGD: "Class C0". The methionine amino acid residue is found in multiple mammalian species, which suggests that this missense change does not adversely affect protein function. Algorithms developed to predict the effect of sequence changes on RNA splicing suggest that this variant may disrupt the consensus splice site. In summary, the available evidence is currently insufficient to determine the role of this variant in disease. Therefore, it has been classified as a Variant of Uncertain Significance.

Blueprint Genetics
Classification: Uncertain significance. Last evaluated: 2020-10-16. Review status: criteria provided, single submitter. Criteria: ACMG Guidelines, 2015. Collection method: clinical testing. Allele origin: germline.